The following is an entry in ClinVar:

ClinVar aggregate classification (germline): Uncertain significance (1 of 4 stars; one submission).

Conditions:
Hereditary cancer-predisposing syndrome. Also called: Neoplastic Syndromes, Hereditary; Tumor predisposition; Hereditary Cancer Syndrome; Hereditary neoplastic syndrome. Identifiers: Orphanet 140162, MedGen C0027672, MeSH D009386, MONDO:0015356.

Submission:

Ambry Genetics
Classification: Uncertain significance for Hereditary cancer-predisposing syndrome. Last evaluated: 2021-12-22. Review status: criteria provided, single submitter. Criteria: Ambry Variant Classification Scheme 2023. Collection method: clinical testing. Allele origin: germline.
Comment: The p.E710D variant (also known as c.2130G>C), located in coding exon 12 of the PMS2 gene, results from a G to C substitution at nucleotide position 2130. The glutamic acid at codon 710 is replaced by aspartic acid, an amino acid with highly similar properties. This amino acid position is highly conserved in available vertebrate species. In addition, this alteration is predicted to be deleterious by in silico analysis. Since supporting evidence is limited at this time, the clinical significance of this alteration remains unclear.

NM_000535.7(PMS2):c.2130G>C (p.Glu710Asp)

Gene: PMS2 (PMS1 homolog 2, mismatch repair system component; minus strand). Cytogenetic location: 7p22.1.
Variant type: single nucleotide variant.
Coding change: c.2130G>C on transcript NM_000535.7 (MANE Select); coding-DNA position 2130, G replaced by C.
Protein change: p.Glu710Asp; replaces glutamic acid 710 with aspartic acid.
Molecular consequence: missense variant. On other transcripts: non-coding transcript variant (1).
Genome position (GRCh38, 1-based): chr7:5,982,868, C>G on the plus strand (G>C on the coding strand, the complement: PMS2 is on the minus strand). VCF-style: chr7-5982868-C-G. GRCh37 (hg19) VCF-style: chr7-6022499-C-G.
Other names: c.1725G>C, p.Glu575Asp (NM_001018040.1, NM_001322003.2, NM_001322004.2 and 15 more transcripts); c.1974G>C, p.Glu658Asp (NM_001322006.2, NM_001406870.1); c.1812G>C, p.Glu604Asp (NM_001322007.2, NM_001322008.2, NM_001406876.1 and 1 more transcripts); c.1569G>C, p.Glu523Asp (NM_001322010.2, NM_001406906.1, NM_001406907.1); c.1197G>C, p.Glu399Asp (NM_001322011.2, NM_001322012.2); c.1557G>C, p.Glu519Asp (NM_001322013.2, NM_001406909.1); c.2130G>C, p.Glu710Asp (NM_001322014.2, NM_001406871.1); c.1821G>C, p.Glu607Asp (NM_001322015.2, NM_001406875.1, NM_001406877.1 and 5 more transcripts); and 13 more; short protein forms E309D, E519D, E555D, E658D, E399D, E453D, E539D, E607D.
Identifiers: ClinVar variation 1786398 (VCV001786398.2), dbSNP rs1583298471, ClinGen allele CA366737928.